The following is an entry in ClinVar:

ClinVar aggregate classification (germline): Uncertain significance. Review status: criteria provided, multiple submitters, no conflicts (2 of 4 stars). 2 submissions from 2 submitters: Uncertain significance (2). Last evaluated 2022-06-21.

Allele frequency attached by ClinVar (database versions not stated): TOPMed 0.00001.
gnomAD v4.1: 20 of 1,614,060 alleles (0.0012%); highest among the groups gnomAD compares: Non-Finnish European, 0.0017%; no homozygotes.

Submissions (2):

GeneDx
Classification: Uncertain significance. Last evaluated: 2022-06-21. Review status: criteria provided, single submitter. Criteria: GeneDx Variant Classification Process June 2021. Collection method: clinical testing. Allele origin: germline. Affected: yes.
Comment: Not observed at significant frequency in large population cohorts (gnomAD); In silico analysis supports that this missense variant has a deleterious effect on protein structure/function; Occurs in the triple helical domain at the Y position in the canonical Gly-X-Y repeat; although this variant may have an effect on normal protein folding and function, missense substitution at the Y position is not a common mechanism of disease; Has not been previously published as pathogenic or benign to our knowledge

Labcorp Genetics (formerly Invitae), Labcorp
Classification: Uncertain significance. Last evaluated: 2020-07-02. Review status: criteria provided, single submitter. Criteria: Invitae Variant Classification Sherloc (09022015). Collection method: clinical testing. Allele origin: germline.
Comment: This sequence change replaces proline with arginine at codon 148 of the COL4A4 protein (p.Pro148Arg). The proline residue is moderately conserved and there is a moderate physicochemical difference between proline and arginine. This variant is not present in population databases (ExAC no frequency). This variant has not been reported in the literature in individuals with COL4A4-related conditions. Algorithms developed to predict the effect of missense changes on protein structure and function are either unavailable or do not agree on the potential impact of this missense change (SIFT: "Tolerated"; PolyPhen-2: "Probably Damaging"; Align-GVGD: "Class C0"). In summary, the available evidence is currently insufficient to determine the role of this variant in disease. Therefore, it has been classified as a Variant of Uncertain Significance.

NM_000092.5(COL4A4):c.443C>G (p.Pro148Arg)

Gene: COL4A4 (collagen type IV alpha 4 chain; minus strand). Cytogenetic location: 2q36.3.
Variant type: single nucleotide variant.
Coding change: c.443C>G on transcript NM_000092.5 (MANE Select); coding-DNA position 443, C replaced by G.
Protein change: p.Pro148Arg; replaces proline 148 with arginine.
Molecular consequence: missense variant.
Genome position (GRCh38, 1-based): chr2:227,118,691, G>C on the plus strand (C>G on the coding strand, the complement: COL4A4 is on the minus strand). VCF-style: chr2-227118691-G-C. GRCh37 (hg19) VCF-style: chr2-227983407-G-C.
Other names: short protein forms P148R.
Identifiers: ClinVar variation 1806600 (VCV001806600.3), dbSNP rs1033767488, ClinGen allele CA66575360.